The following is an entry in ClinVar:

ClinVar aggregate classification (germline): Uncertain significance. Review status: criteria provided, single submitter (1 of 4 stars). 2 submissions from 2 submitters: Uncertain significance (1). 1 of the submissions does not count toward it. Last evaluated 2025-04-09.

Conditions:
PLXNA3-related disorder. Also called: PLXNA3-related condition.

Allele frequency attached by ClinVar (database versions not stated): gnomAD 0.00012; ExAC 0.00007; TOPMed 0.00018; ESP Exome Variant Server 0.00028.

Submissions (2):

Ambry Genetics
Classification: Uncertain significance. Last evaluated: 2025-04-09. Review status: criteria provided, single submitter. Criteria: Ambry Variant Classification Scheme 2023. Collection method: clinical testing. Allele origin: germline.

PreventionGenetics, part of Exact Sciences
Classification: Uncertain significance for PLXNA3-related condition. Last evaluated: 2024-05-30. Review status: no assertion criteria provided. Collection method: clinical testing. Allele origin: germline. Not counted in ClinVar's aggregate classification.
Comment: The PLXNA3 c.2038C>T variant is predicted to result in the amino acid substitution p.Pro680Ser. To our knowledge, this variant has not been reported in the literature. This variant is reported in 0.080% of alleles in individuals of African descent in gnomAD, which may be too frequent to be a primary cause of disease. Although we suspect that this variant may be benign, at this time, the clinical significance of this variant is uncertain due to the absence of conclusive functional and genetic evidence.

NM_017514.5(PLXNA3):c.2038C>T (p.Pro680Ser)

Gene: PLXNA3 (plexin A3; plus strand). Cytogenetic location: Xq28.
Variant type: single nucleotide variant.
Coding change: c.2038C>T on transcript NM_017514.5 (MANE Select); coding-DNA position 2038, C replaced by T.
Protein change: p.Pro680Ser; replaces proline 680 with serine.
Molecular consequence: missense variant.
Genome position (GRCh38, 1-based): chrX:154,464,863, C>T. VCF-style: chrX-154464863-C-T. GRCh37 (hg19) VCF-style: chrX-153693206-C-T.
Other names: short protein forms P680S.
Identifiers: ClinVar variation 2399442 (VCV002399442.6), dbSNP rs141189623, ClinGen allele CA10564247.